The following is an entry in ClinVar:

ClinVar aggregate classification (germline): Uncertain significance (1 of 4 stars; one submission).

Submission:

Labcorp Genetics (formerly Invitae), Labcorp
Classification: Uncertain significance. Last evaluated: 2025-02-04. Review status: criteria provided, single submitter. Criteria: Invitae Variant Classification Sherloc (09022015). Collection method: clinical testing. Allele origin: germline.
Comment: This sequence change replaces glycine, which is neutral and non-polar, with arginine, which is basic and polar, at codon 324 of the TGFB1 protein (p.Gly324Arg). This variant is present in population databases (rs768250306, gnomAD 0.003%). This variant has not been reported in the literature in individuals affected with TGFB1-related conditions. Invitae Evidence Modeling of protein sequence and biophysical properties (such as structural, functional, and spatial information, amino acid conservation, physicochemical variation, residue mobility, and thermodynamic stability) indicates that this missense variant is expected to disrupt TGFB1 protein function with a positive predictive value of 80%. In summary, the available evidence is currently insufficient to determine the role of this variant in disease. Therefore, it has been classified as a Variant of Uncertain Significance.

NM_000660.7(TGFB1):c.970G>A (p.Gly324Arg)

Gene: TGFB1 (transforming growth factor beta 1; minus strand). Cytogenetic location: 19q13.2.
Variant type: single nucleotide variant.
Coding change: c.970G>A on transcript NM_000660.7 (MANE Select); coding-DNA position 970, G replaced by A.
Protein change: p.Gly324Arg; replaces glycine 324 with arginine.
Molecular consequence: missense variant.
Genome position (GRCh38, 1-based): chr19:41,332,172, C>T on the plus strand (G>A on the coding strand, the complement: TGFB1 is on the minus strand). VCF-style: chr19-41332172-C-T. GRCh37 (hg19) VCF-style: chr19-41838077-C-T.
Other names: short protein forms G324R.
Identifiers: ClinVar variation 4777839 (VCV004777839.1).